The following is an entry in ClinVar:

ClinVar aggregate classification (germline): Uncertain significance (1 of 4 stars; one submission).

Conditions:
Cardiovascular phenotype. Identifiers: MedGen CN230736.

Submission:

Ambry Genetics
Classification: Uncertain significance for Cardiovascular phenotype. Last evaluated: 2024-12-21. Review status: criteria provided, single submitter. Criteria: Ambry Variant Classification Scheme 2023. Collection method: clinical testing. Allele origin: germline.
Comment: The p.G17R variant (also known as c.49G>A), located in coding exon 1 of the CACNB2 gene, results from a G to A substitution at nucleotide position 49. The glycine at codon 17 is replaced by arginine, an amino acid with dissimilar properties. This amino acid position is conserved. In addition, this alteration is predicted to be tolerated by in silico analysis. Based on the available evidence, the clinical significance of this variant remains unclear.

NM_201590.3(CACNB2):c.49G>A (p.Gly17Arg)

Gene: CACNB2 (calcium voltage-gated channel auxiliary subunit beta 2; plus strand). Cytogenetic location: 10p12.32.
Variant type: single nucleotide variant.
Coding change: c.49G>A on transcript NM_201590.3 (MANE Plus Clinical); coding-DNA position 49, G replaced by A.
Protein change: p.Gly17Arg; replaces glycine 17 with arginine.
Molecular consequence: missense variant. On other transcripts: intron variant (8).
Genome position (GRCh38, 1-based): chr10:18,340,975, G>A. VCF-style: chr10-18340975-G-A. GRCh37 (hg19) VCF-style: chr10-18629904-G-A.
Other names: c.130-60949G>A (NM_201571.4, NM_001167945.2, NM_201572.4); c.214-60949G>A (NM_201596.3, NM_201593.3, NM_201597.3); c.49-60949G>A (NM_000724.4, NM_001330060.2); short protein forms G17R.
Identifiers: ClinVar variation 3826731 (VCV003826731.1).